The following is an entry in ClinVar:

NM_000257.4(MYH7):c.1322C>T (p.Thr441Met)

Gene: MYH7 (myosin heavy chain 7; minus strand). Cytogenetic location: 14q11.2.
Variant type: single nucleotide variant.
Coding change: c.1322C>T on transcript NM_000257.4 (MANE Select); coding-DNA position 1322, C replaced by T.
Protein change: p.Thr441Met; replaces threonine 441 with methionine.
Molecular consequence: missense variant.
Genome position (GRCh38, 1-based): chr14:23,429,040, G>A on the plus strand (C>T on the coding strand, the complement: MYH7 is on the minus strand). VCF-style: chr14-23429040-G-A. GRCh37 (hg19) VCF-style: chr14-23898249-G-A.
Other names: NM_000257.4(MYH7):c.1322C>T; short protein forms T441M.
Identifiers: ClinVar variation 14122 (VCV000014122.31), dbSNP rs121913653, ClinGen allele CA010543.
Genomic context (GRCh38, chr14:23,429,040, plus strand): 5'-TCCAGGACTCCTATGAAGTACTGGCGTGGCTGCTTGGTCTCCAGGGTGGCATTGATGCGC[G>A]TCACCATCCAGTTGAACATCCTCTCATACACTGCCTTGGCCAGTGCCCCAGTGGCATATA-3'
Protein context (NP_000248.2, residues 431-451): VYERMFNWMV[Thr441Met]RINATLETKQ

ClinVar aggregate classification (germline): Benign. Review status: reviewed by expert panel (3 of 4 stars). 14 submissions from 14 submitters: Benign (1). 13 of the submissions do not count toward it. Last evaluated 2025-11-11.

Conditions:
Cardiovascular phenotype. Identifiers: MedGen CN230736.
Cardiomyopathy (CMYO). Also called: Cardiomyopathies. Identifiers: Orphanet 167848, MedGen C0878544, MONDO:0004994, HP:0001638. Inheritance: Various modes of inheritance.
Hypertrophic cardiomyopathy 1 (CMH1). Also called: MYH7-Related Familial Hypertrophic Cardiomyopathy; Familial hypertrophic cardiomyopathy 1. Identifiers: MedGen C3495498, MONDO:0008647, OMIM 192600.
MYH7-related skeletal myopathy. Also called: Laing distal myopathy; Laing early-onset distal myopathy; Myopathy, distal, 1; MYOPATHY, DISTAL, EARLY-ONSET, AUTOSOMAL DOMINANT; MYOPATHY, LATE DISTAL HEREDITARY. Identifiers: Orphanet 59135, MedGen C4552004, MONDO:0008050, OMIM 160500.
Dilated cardiomyopathy 1S (CMD1S). Identifiers: Orphanet 154, Orphanet 54260, MedGen C1834481, MONDO:0013262, OMIM 613426.
Myosin storage myopathy (CMYO7A). Also called: SCAPULOPERONEAL MUSCULAR DYSTROPHY; SCAPULOPERONEAL SYNDROME, MYOPATHIC TYPE; MYOPATHY WITH LYSIS OF TYPE I MYOFIBRILS; MYH7-related late-onset scapuloperoneal muscular dystrophy; Congenital myopathy 7A, myosin storage, autosomal dominant; MYOPATHY, HYALINE BODY, AUTOSOMAL DOMINANT. Identifiers: Orphanet 437572, Orphanet 636965, MedGen C1842160, MONDO:0008409, OMIM 608358.
Congenital myopathy with fiber type disproportion. Also called: Congenital fiber-type disproportion; Congenital fiber-type disproportion myopathy. Identifiers: Orphanet 2020, MedGen C0546264, MONDO:0009711. Inheritance: all.
Myopathy, myosin storage, autosomal recessive (CMYO7B). Also called: CONGENITAL MYOPATHY 7B, MYOSIN STORAGE, AUTOSOMAL RECESSIVE. Identifiers: Orphanet 636970, MedGen C1850709, MONDO:0009708, OMIM 255160.
Hypertrophic cardiomyopathy. Also called: HYPERTROPHIC MYOCARDIOPATHY. Identifiers: Orphanet 217569, MedGen C0007194, MeSH D002312, MONDO:0005045, HP:0001639.

Allele frequency attached by ClinVar (database versions not stated): gnomAD 0.00006 and 0.00007; gnomAD exomes 0.00007 and 0.00023; TOPMed 0.00007; ExAC 0.00013.
gnomAD v4.1: 107 of 1,614,082 alleles (0.0066%); highest among the groups gnomAD compares: East Asian, 0.13%; no homozygotes.

Submissions (14):

ClinGen Cardiomyopathy Variant Curation Expert Panel
Classification: Benign for Hypertrophic cardiomyopathy. Last evaluated: 2025-11-11. Review status: reviewed by expert panel. Criteria: ClinGen CMP ACMG Specifications v1. Collection method: curation. Allele origin: germline. Inheritance: Autosomal dominant inheritance.
Comment: The c.1322C>T (p.Thr441Met) in MYH7 has been identified in 0.2% (FAF 95% CI; 47/18394) of East Asian chromosomes in gnomAD (BA1). While this variant lies in the head region of the protein (aa 181-937), where missense variants are statistically more likely to be disease-associated (PM1; Walsh 2017 PMID:27532257), this is not considered to be in conflict with BA1 since benign variation within this region was considered during that analysis. In summary, this variant meets criteria to be is classified as benign for cardiomyopathy in an autosomal dominant manner. MYH7-specific ACMG/AMP criteria applied (Kelly 2018 PMID:29300372): BA1, PM1.

Labcorp Genetics (formerly Invitae), Labcorp
Classification: Likely benign for Hypertrophic cardiomyopathy. Last evaluated: 2025-09-15. Review status: criteria provided, single submitter. Criteria: Invitae Variant Classification Sherloc (09022015). Collection method: clinical testing. Allele origin: germline. Not counted in ClinVar's aggregate classification.

Mayo Clinic Laboratories, Mayo Clinic
Classification: Benign. Last evaluated: 2025-04-09. Review status: criteria provided, single submitter. Criteria: ACMG Guidelines, 2015. Collection method: clinical testing. Allele origin: germline. Observed: 1 variant allele. Not counted in ClinVar's aggregate classification.
Comment: BA1, PM1

Blueprint Genetics
Classification: Uncertain significance. Last evaluated: 2024-11-08. Review status: criteria provided, single submitter. Criteria: ACMG Guidelines, 2015. Collection method: clinical testing. Allele origin: germline. Not counted in ClinVar's aggregate classification.

Ambry Genetics
Classification: Benign for Cardiovascular phenotype. Last evaluated: 2024-08-14. Review status: criteria provided, single submitter. Criteria: Ambry Variant Classification Scheme 2023. Collection method: clinical testing. Allele origin: germline. Not counted in ClinVar's aggregate classification.

Revvity Omics, Revvity
Classification: Likely benign. Last evaluated: 2024-08-09. Review status: criteria provided, single submitter. Criteria: ACMG Guidelines, 2015. Collection method: clinical testing. Allele origin: germline. Not counted in ClinVar's aggregate classification.

All of Us Research Program, National Institutes of Health
Classification: Likely benign for Cardiomyopathy. Last evaluated: 2024-06-11. Review status: criteria provided, single submitter. Criteria: ACMG Guidelines, 2015. Collection method: clinical testing. Allele origin: germline. Inheritance: Autosomal dominant inheritance. Observed: 21 variant alleles, 21 heterozygotes. Not counted in ClinVar's aggregate classification.
Comment: This study involves interpretation of variants in research participants for the purpose of population health screening. Participant phenotype was not available at the time of variant classification. Additional details can be found in publication PMID: 35346344, PMCID: PMC8962531

Mendelics
Classification: Benign for Hypertrophic cardiomyopathy 1. Last evaluated: 2023-08-22. Review status: criteria provided, single submitter. Criteria: Mendelics Assertion Criteria 2019. Collection method: clinical testing. Allele origin: germline. Not counted in ClinVar's aggregate classification.

CHEO Genetics Diagnostic Laboratory, Children's Hospital of Eastern Ontario
Classification: Likely benign for Cardiomyopathy. Last evaluated: 2023-01-26. Review status: criteria provided, single submitter. Criteria: ACMG Guidelines, 2015. Collection method: clinical testing. Allele origin: germline. Not counted in ClinVar's aggregate classification.

Fulgent Genetics
Classification: Likely benign for MYH7-related skeletal myopathy; Myosin storage myopathy; Hypertrophic cardiomyopathy 1; Myopathy, myosin storage, autosomal recessive; Congenital myopathy 4A, autosomal dominant; Dilated cardiomyopathy 1S. Last evaluated: 2021-11-05. Review status: criteria provided, single submitter. Criteria: ACMG Guidelines, 2015. Collection method: clinical testing. Allele origin: unknown. Not counted in ClinVar's aggregate classification.

Color Diagnostics, LLC DBA Color Health
Classification: Likely benign for Cardiomyopathy. Last evaluated: 2018-10-03. Review status: criteria provided, single submitter. Criteria: ACMG Guidelines, 2015. Collection method: clinical testing. Allele origin: germline. Not counted in ClinVar's aggregate classification.

Laboratory for Molecular Medicine, Mass General Brigham Personalized Medicine
Classification: Likely benign. Last evaluated: 2017-08-30. Review status: criteria provided, single submitter. Criteria: LMM Criteria. Collection method: clinical testing. Allele origin: germline. Observed: 2 variant alleles. Not counted in ClinVar's aggregate classification.
Comment: MYH7 1322C>T: Disclaimer: This variant has not undergone a full assessment. The following are preliminary notes: Classified as VUS3 in 2014 and no new pubs sin ce then. Has a max MAF in ExAC of 0.15% (13 alleles) and gnomad of 0.27% (53 al leles) - frequency too high for disease.

GeneDx
Classification: Uncertain significance. Last evaluated: 2016-02-12. Review status: criteria provided, single submitter. Criteria: GeneDx Variant Classification (06012015). Collection method: clinical testing. Allele origin: germline. Affected: yes. Not counted in ClinVar's aggregate classification.
Comment: The T441M variant in the MYH7 gene has been reported previously in one child with skeletal myopathy with mild atrial enlargement and septal thickness in the 95th percentile and was absent in 200 control chromosomes (Darin et al., 2007). Expression studies showed that mutated and wild-type alleles were equally expressed at the mRNA level (Darin et al., 2007). The T441M variant has also been reported in one Chinese family with hypertrophic cardiomyopathy (Fan et al., 2011; Feng et al., 2011). The T441M variant was not observed in approximately 6,500 individuals of European and African American ancestry in an external variant database, indicating it is not a common benign variant in these populations. The T441M variant is a non-conservative amino acid substitution, which is likely to impact secondary protein structure as these residues differ in polarity, charge, size and/or other properties. However, this substitution occurs at a position in the myosin motor domain that is not conserved, and in silico analysis is inconsistent in its predictions as to whether or not the variant is damaging to the protein structure/function. Missense variants in nearby residues (N437D, M439T, M439R, V440M, R442C, R442H, I443T, N444S) have been reported in the Human Gene Mutation Database in association with cardiomyopathy (Stenson et al., 2014), supporting the functional importance of this region of the protein. We interpret T441M as a variant of uncertain significance, which may be related to the muscle weakness and atrophy reported in this individual.

OMIM
Classification: Pathogenic for LAING DISTAL MYOPATHY. Last evaluated: 2007-06-05. Review status: no assertion criteria provided. Collection method: literature only. Allele origin: germline. Not counted in ClinVar's aggregate classification.

Literature cited by the submitters: PubMed 17548557 (cited by 3 submitters); PubMed 31653443 (cited by Mayo Clinic Laboratories, Mayo Clinic); PubMed 21811976 (cited by Laboratory for Molecular Medicine, Mass General Brigham Personalized Medicine); PubMed 21426742 (cited by Laboratory for Molecular Medicine, Mass General Brigham Personalized Medicine).